The following is an entry in ClinVar:

NM_001330260.2(SCN8A):c.368G>A (p.Arg123Lys)

Gene: SCN8A (sodium voltage-gated channel alpha subunit 8; plus strand). Cytogenetic location: 12q13.13.
Variant type: single nucleotide variant.
Coding change: c.368G>A on transcript NM_001330260.2 (MANE Select); coding-DNA position 368, G replaced by A.
Protein change: p.Arg123Lys; replaces arginine 123 with lysine.
Molecular consequence: missense variant.
Genome position (GRCh38, 1-based): chr12:51,684,265, G>A. VCF-style: chr12-51684265-G-A. GRCh37 (hg19) VCF-style: chr12-52078049-G-A.
Other names: c.368G>A (NM_001330260.1); c.368G>A, p.Arg123Lys (NM_001177984.3, NM_001369788.1, NM_014191.4); short protein forms R123K.
Identifiers: ClinVar variation 2739439 (VCV002739439.4), dbSNP rs2540152225, ClinGen allele CA385221259.

ClinVar aggregate classification (germline): Uncertain significance. Review status: criteria provided, multiple submitters, no conflicts (2 of 4 stars). 2 submissions from 2 submitters: Uncertain significance (2). Last evaluated 2024-10-09.

Conditions:
Developmental and epileptic encephalopathy, 13 (DEE13). Also called: Developmental and Epileptic Encephalopathy (SCN8A-DEE); Early infantile epileptic encephalopathy 13; SCN8A-Related Epilepsy. Identifiers: Orphanet 442835, MedGen C3281191, MONDO:0013801, OMIM 614558.
Early-infantile DEE. Also called: Early infantile epileptic encephalopathy; Ohtahara syndrome; Early infantile epileptic encephalopathy with suppression bursts. Identifiers: Orphanet 1934, MedGen C0393706, MONDO:0800491.

Submissions (2):

Victorian Clinical Genetics Services, Murdoch Childrens Research Institute
Classification: Uncertain significance for Developmental and epileptic encephalopathy, 13. Last evaluated: 2024-10-09. Review status: criteria provided, single submitter. Criteria: ACMG Guidelines, 2015. Collection method: clinical testing. Allele origin: germline. Inheritance: Autosomal dominant inheritance. Affected: yes.
Comment: Based on the classification scheme VCGS_Germline_v1.3.4, this variant is classified as VUS-3A. Following criteria are met: 0103 - Loss of function and gain of function are known mechanisms of disease in this gene, and are associated with cognitive impairment with or without cerebellar ataxia (MIM#614306) and developmental and epileptic encephalopathy 13 (MIM#614558), respectively. In addition, gain of function is speculated for seizures, benign familial infantile, 5 (MIM#617080) (PMID: 31904124, OMIM). (I) 0107 - This gene is associated with autosomal dominant disease. (I) 0200 - Variant is predicted to result in a missense amino acid change from arginine to lysine. (I) 0251 - This variant is heterozygous. (I) 0301 - Variant is absent from gnomAD (both v2 and v3). (SP) 0502 - Missense variant with conflicting in silico predictions and uninformative conservation. (I) 0604 - Variant is not located in an established domain, motif, hotspot or informative constraint region. (I) 0705 - No comparable missense variants have previous evidence for pathogenicity. (I) 0807 - This variant has no previous evidence of pathogenicity. (I) 0905 - No published segregation evidence has been identified for this variant. (I) 1007 - No published functional evidence has been identified for this variant. (SP) Legend: (SP) - Supporting pathogenic, (I) - Information, (SB) - Supporting benign

Labcorp Genetics (formerly Invitae), Labcorp
Classification: Uncertain significance for Early-infantile DEE. Last evaluated: 2023-12-13. Review status: criteria provided, single submitter. Criteria: Invitae Variant Classification Sherloc (09022015). Collection method: clinical testing. Allele origin: germline.
Comment: This sequence change replaces arginine, which is basic and polar, with lysine, which is basic and polar, at codon 123 of the SCN8A protein (p.Arg123Lys). This variant is not present in population databases (gnomAD no frequency). This variant has not been reported in the literature in individuals affected with SCN8A-related conditions. Advanced modeling of protein sequence and biophysical properties (such as structural, functional, and spatial information, amino acid conservation, physicochemical variation, residue mobility, and thermodynamic stability) performed at Invitae indicates that this missense variant is not expected to disrupt SCN8A protein function with a negative predictive value of 95%. Algorithms developed to predict the effect of sequence changes on RNA splicing suggest that this variant may disrupt the consensus splice site. In summary, the available evidence is currently insufficient to determine the role of this variant in disease. Therefore, it has been classified as a Variant of Uncertain Significance.

Literature cited by the submitters: PubMed 31904124 (cited by Victorian Clinical Genetics Services, Murdoch Childrens Research Institute).